The following continues an entry in ClinVar:

NM_001126108.2(SLC12A3):c.1964G>A (p.Arg655His)

Gene: SLC12A3. ClinVar aggregate classification (germline): Pathogenic/Likely pathogenic. Pathogenic (13); Likely pathogenic (4).

Submissions 13 to 19 of 19:

European Hospital Georges Pompidou Genetics Department, Assistance Publique - Hôpitaux de Paris AP-HP
Classification: Likely pathogenic for Familial hypokalemia-hypomagnesemia. Last evaluated: 2022-04-27. Review status: criteria provided, single submitter. Criteria: ACMG Guidelines, 2015. Collection method: clinical testing. Allele origin: germline. Affected: yes.
Comment: ACMG criteria used:PS4, PM1, PM2, PM5, PP3, PP5

Genome-Nilou Lab
Classification: Likely pathogenic for Familial hypokalemia-hypomagnesemia. Last evaluated: 2021-07-15. Review status: criteria provided, single submitter. Criteria: ACMG Guidelines, 2015. Collection method: clinical testing. Allele origin: germline. Affected: no.

Revvity Omics, Revvity
Classification: Pathogenic for Familial hypokalemia-hypomagnesemia. Last evaluated: 2021-03-17. Review status: criteria provided, single submitter. Criteria: ACMG Guidelines, 2015. Collection method: clinical testing. Allele origin: germline.

Molecular Biology Laboratory, Fundació Puigvert
Classification: Likely pathogenic for Familial hypokalemia-hypomagnesemia. Last evaluated: 2020-02-01. Review status: criteria provided, single submitter. Criteria: ACMG Guidelines, 2015. Collection method: research. Allele origin: germline. Affected: yes. Study: KidneyPanel_2020.

Athena Diagnostics
Classification: Likely pathogenic. Last evaluated: 2017-02-09. Review status: criteria provided, single submitter. Criteria: Athena Diagnostics Criteria. Collection method: clinical testing. Allele origin: germline.

Sydney Genome Diagnostics, Children's Hospital Westmead
Classification: Uncertain significance for Familial hypokalemia-hypomagnesemia; Bartter syndrome. Last evaluated: 2018-02-02. Review status: no assertion criteria provided. Collection method: clinical testing. Allele origin: unknown. Affected: yes. Observed: 1 variant allele, 1 compound heterozygote. Not counted in ClinVar's aggregate classification.
Comment: The c.2883+1G>T variant (dbSNP: rs199974259) has been reported in the gnomAD browser with a low allelic frequency of 0.02% (62 out of 276,340 alleles). This variant is predicted to abolish the consensus splice donor site at c.2883, resulting in the skipping of exon 24. This splice site variant has been previously reported in numerous patients with Gitelman syndrome in the literature (Vargas-Poussou et al 2011 J Am Soc Nephrol 22:693-703; Glaudemans et al 2012 Eur J Hum Genet 20:263-270). This variant is considered to be pathogenic according to the ACMG guidelines.

OMIM
Classification: Pathogenic for GITELMAN SYNDROME. Last evaluated: 1996-01-01. Review status: no assertion criteria provided. Collection method: literature only. Allele origin: germline. Not counted in ClinVar's aggregate classification.

Literature cited by the submitters: PubMed 8528245 (cited by 4 submitters); PubMed 22934535 (cited by 3 submitters); PubMed 11168953 (cited by 3billion and Labcorp Genetics (formerly Invitae), Labcorp); PubMed 24776766 (cited by 3 submitters); PubMed 22009145 (cited by 3 submitters); PubMed 9734597 (cited by Labcorp Genetics (formerly Invitae), Labcorp); PubMed 22214629 (cited by Labcorp Genetics (formerly Invitae), Labcorp); PubMed 33532864 (cited by 3 submitters); PubMed 31672324 (cited by Department of Molecular Genetics, Istishari Arab Hospital); PubMed 19207868 (cited by 3 submitters); PubMed 17329572 (cited by 3 submitters); PubMed 33382082 (cited by Natera, Inc.); PubMed 35628451 (cited by Victorian Clinical Genetics Services, Murdoch Childrens Research Institute); PubMed 33996672 (cited by Victorian Clinical Genetics Services, Murdoch Childrens Research Institute); PubMed 33226606 (cited by Victorian Clinical Genetics Services, Murdoch Childrens Research Institute); PubMed 32542819 (cited by Women's Health and Genetics/Laboratory Corporation of America, LabCorp); PubMed 26990548 (cited by Athena Diagnostics).